The following is an entry in ClinVar:

ClinVar aggregate classification (germline): Uncertain significance (1 of 4 stars; one submission).

Conditions:
Hereditary cancer-predisposing syndrome. Also called: Neoplastic Syndromes, Hereditary; Tumor predisposition; Hereditary Cancer Syndrome; Hereditary neoplastic syndrome. Identifiers: Orphanet 140162, MedGen C0027672, MeSH D009386, MONDO:0015356.

Submission:

Ambry Genetics
Classification: Uncertain significance for Hereditary cancer-predisposing syndrome. Last evaluated: 2026-06-06. Review status: criteria provided, single submitter. Criteria: Ambry Variant Classification Scheme 2023. Collection method: clinical testing. Allele origin: germline.
Comment: The p.V146L variant (also known as c.436G>C), located in coding exon 4 of the NF2 gene, results from a G to C substitution at nucleotide position 436. The valine at codon 146 is replaced by leucine, an amino acid with highly similar properties. This amino acid position is conserved. In addition, the in silico prediction for this alteration is inconclusive. Based on the available evidence, the clinical significance of this variant remains unclear.

NM_000268.4(NF2):c.436G>C (p.Val146Leu)

Gene: NF2 (NF2, moesin-ezrin-radixin like (MERLIN) tumor suppressor; plus strand). Cytogenetic location: 22q12.2.
Variant type: single nucleotide variant.
Coding change: c.436G>C on transcript NM_000268.4 (MANE Select); coding-DNA position 436, G replaced by C.
Protein change: p.Val146Leu; replaces valine 146 with leucine.
Molecular consequence: missense variant. On other transcripts: 5 prime UTR variant (1), non-coding transcript variant (1).
Genome position (GRCh38, 1-based): chr22:29,642,274, G>C. VCF-style: chr22-29642274-G-C. GRCh37 (hg19) VCF-style: chr22-30038263-G-C.
Other names: c.322G>C, p.Val108Leu (NM_001407053.1, NM_001407056.1); c.313G>C, p.Val105Leu (NM_001407054.1, NM_001407058.1, NM_001407062.1 and 1 more transcripts); c.310G>C, p.Val104Leu (NM_001407055.1, NM_181828.3); c.436G>C, p.Val146Leu (NM_001407057.1, NM_001407059.1, NM_001407060.1 and 5 more transcripts); c.187G>C, p.Val63Leu (NM_001407063.1, NM_001407064.1, NM_181830.3 and 1 more transcripts); c.-205G>C (NM_001407065.1); c.205G>C, p.Val69Leu (NM_001407067.1); short protein forms V104L, V105L, V108L, V146L, V63L, V69L.
Identifiers: ClinVar variation 4861033 (VCV004861033.1).